The following is an entry in ClinVar:

ClinVar aggregate classification (germline): Uncertain significance (1 of 4 stars; one submission).

Allele frequency attached by ClinVar (database versions not stated): gnomAD 0.00001; TOPMed 0.00001; ExAC 0.00004.
gnomAD v4.1: 11 of 1,604,216 alleles (0.00069%); highest among the groups gnomAD compares: Middle Eastern, 0.016%; no homozygotes.

Submission:

Labcorp Genetics (formerly Invitae), Labcorp
Classification: Uncertain significance. Last evaluated: 2024-05-20. Review status: criteria provided, single submitter. Criteria: Invitae Variant Classification Sherloc (09022015). Collection method: clinical testing. Allele origin: germline.
Comment: This sequence change replaces proline, which is neutral and non-polar, with serine, which is neutral and polar, at codon 452 of the MKL1 protein (p.Pro452Ser). This variant is present in population databases (rs774252127, gnomAD 0.004%). This variant has not been reported in the literature in individuals affected with MKL1-related conditions. An algorithm developed to predict the effect of missense changes on protein structure and function (PolyPhen-2) suggests that this variant is likely to be disruptive. In summary, the available evidence is currently insufficient to determine the role of this variant in disease. Therefore, it has been classified as a Variant of Uncertain Significance.

NM_020831.6(MRTFA):c.1654C>T (p.Pro552Ser)

Gene: MRTFA (myocardin related transcription factor A; minus strand). Cytogenetic location: 22q13.1.
Variant type: single nucleotide variant.
Coding change: c.1654C>T on transcript NM_020831.6 (MANE Select); coding-DNA position 1654, C replaced by T.
Protein change: p.Pro552Ser; replaces proline 552 with serine.
Molecular consequence: missense variant.
Genome position (GRCh38, 1-based): chr22:40,419,084, G>A on the plus strand (C>T on the coding strand, the complement: MRTFA is on the minus strand). VCF-style: chr22-40419084-G-A. GRCh37 (hg19) VCF-style: chr22-40815088-G-A.
Other names: c.1354C>T, p.Pro452Ser (NM_001282660.2); c.1504C>T, p.Pro502Ser (NM_001282661.3); c.1654C>T, p.Pro552Ser (NM_001282662.3); c.1459C>T, p.Pro487Ser (NM_001318139.2); short protein forms P452S, P552S, P487S, P502S.
Identifiers: ClinVar variation 2872518 (VCV002872518.3), dbSNP rs774252127, ClinGen allele CA10249605.